The following is an entry in ClinVar:

ClinVar aggregate classification (germline): Uncertain significance (1 of 4 stars; one submission).

Allele frequency attached by ClinVar (database versions not stated): TOPMed 0.00001.

Submission:

GeneDx
Classification: Uncertain significance. Last evaluated: 2022-05-26. Review status: criteria provided, single submitter. Criteria: GeneDx Variant Classification Process June 2021. Collection method: clinical testing. Allele origin: germline. Affected: yes.
Comment: Not observed at significant frequency in large population cohorts (gnomAD); In silico analysis supports that this missense variant has a deleterious effect on protein structure/function; Has not been previously published as pathogenic or benign to our knowledge

NM_000136.3(FANCC):c.277T>C (p.Cys93Arg)

Gene: FANCC (FA complementation group C; minus strand). Cytogenetic location: 9q22.32.
Variant type: single nucleotide variant.
Coding change: c.277T>C on transcript NM_000136.3 (MANE Select); coding-DNA position 277, T replaced by C.
Protein change: p.Cys93Arg; replaces cysteine 93 with arginine.
Molecular consequence: missense variant.
Genome position (GRCh38, 1-based): chr9:95,240,717, A>G on the plus strand (T>C on the coding strand, the complement: FANCC is on the minus strand). VCF-style: chr9-95240717-A-G. GRCh37 (hg19) VCF-style: chr9-98002999-A-G.
Other names: c.277T>C, p.Cys93Arg (NM_001243743.2, NM_001243744.2); short protein forms C93R.
Identifiers: ClinVar variation 1801198 (VCV001801198.1), dbSNP rs1439670123, ClinGen allele CA374339423.